The following is an entry in ClinVar:

NM_000521.4(HEXB):c.1469del (p.Gly490fs)

Gene: HEXB (hexosaminidase subunit beta; plus strand). Cytogenetic location: 5q13.3.
Variant type: Deletion.
Coding change: c.1469del on transcript NM_000521.4 (MANE Select); coding-DNA position 1469, one base deleted (G; older notation c.1469delG).
Protein change: p.Gly490fs; shifts the reading frame from glycine 490.
Molecular consequence: frameshift variant.
Genome position (GRCh38, 1-based): chr5:74,720,479, G deleted; the last of 4 consecutive G bases (chr5:74,720,476-74,720,479); deleting any one gives the same sequence. VCF-style (leftmost placement, unchanged base first): chr5-74720475-TG-T. GRCh37 (hg19) VCF-style: chr5-74016300-TG-T.
Other names: c.794del, p.Gly265fs (NM_001292004.2); short protein forms G490fs, G265fs.
Identifiers: ClinVar variation 1951242 (VCV001951242.5), dbSNP rs1212796323, ClinGen allele CA2580073404.
Genomic context (GRCh38, chr5:74,720,475, plus strand): 5'-GATTTTAATTTAGGTACTCAGAAACAGAAACAACTTTTCATTGGTGGAGAAGCTTGTCTA[TG>T]GGGAGAATATGTGGATGCAACTAACCTCACTCCAAGATTATGGTATGGGATTTACCTGAT-3'

ClinVar aggregate classification (germline): Pathogenic (1 of 4 stars; one submission).

Conditions:
Sandhoff disease. Also called: GM2-GANGLIOSIDOSIS, TYPE II; HEXOSAMINIDASES A AND B DEFICIENCY; Beta-hexosaminidase-beta-subunit deficiency; GM2 gangliosidosis, type 2; Total hexosaminidase deficiency; Sandhoff-Jatzkewitz-Pilz disease. Identifiers: Orphanet 796, MedGen C0036161, MONDO:0010006, OMIM 268800.

Submission:

Labcorp Genetics (formerly Invitae), Labcorp
Classification: Pathogenic for Sandhoff disease. Last evaluated: 2023-10-06. Review status: criteria provided, single submitter. Criteria: Invitae Variant Classification Sherloc (09022015). Collection method: clinical testing. Allele origin: germline.
Comment: This sequence change creates a premature translational stop signal (p.Gly490Glufs*40) in the HEXB gene. While this is not anticipated to result in nonsense mediated decay, it is expected to disrupt the last 67 amino acid(s) of the HEXB protein. This variant is not present in population databases (gnomAD no frequency). This variant has not been reported in the literature in individuals affected with HEXB-related conditions. ClinVar contains an entry for this variant (Variation ID: 1951242). This variant disrupts a region of the HEXB protein in which other variant(s) (p.Cys551Tyr) have been determined to be pathogenic (PMID: 24461908, 33407268). This suggests that this is a clinically significant region of the protein, and that variants that disrupt it are likely to be disease-causing. For these reasons, this variant has been classified as Pathogenic.

Literature cited by the submitters: PubMed 24461908; PubMed 33407268.